The following is an entry in ClinVar:

ClinVar aggregate classification (germline): Uncertain significance. Review status: criteria provided, multiple submitters, no conflicts (2 of 4 stars). 2 submissions from 2 submitters: Uncertain significance (2). Last evaluated 2026-08-10.

Conditions:
SEMA3G-related disorder. Also called: SEMA3G-related condition.

gnomAD v4.1: 9 of 1,613,972 alleles (0.00056%); highest among the groups gnomAD compares: Admixed American, 0.0033%; no homozygotes.

Submissions (2):

PreventionGenetics, part of Exact Sciences
Classification: Uncertain significance for SEMA3G-related condition. Last evaluated: 2026-08-10. Review status: criteria provided, single submitter. Criteria: ACMG Guidelines, 2015. Collection method: clinical testing. Allele origin: germline.
Comment: The SEMA3G c.2047T>C variant is predicted to result in the amino acid substitution p.Phe683Leu. To our knowledge, this variant has not been reported in the literature or in a large population database (gnomAD), indicating this variant is rare. At this time, the clinical significance of this variant is uncertain due to the absence of conclusive functional and genetic evidence.

Ambry Genetics
Classification: Uncertain significance. Last evaluated: 2025-08-25. Review status: criteria provided, single submitter. Criteria: Ambry Variant Classification Scheme 2023. Collection method: clinical testing. Allele origin: germline.

NM_020163.3(SEMA3G):c.2047T>C (p.Phe683Leu)

Gene: SEMA3G (semaphorin 3G; minus strand). Cytogenetic location: 3p21.1.
Variant type: single nucleotide variant.
Coding change: c.2047T>C on transcript NM_020163.3 (MANE Select); coding-DNA position 2047, T replaced by C.
Protein change: p.Phe683Leu; replaces phenylalanine 683 with leucine.
Molecular consequence: missense variant.
Genome position (GRCh38, 1-based): chr3:52,435,905, A>G on the plus strand (T>C on the coding strand, the complement: SEMA3G is on the minus strand). VCF-style: chr3-52435905-A-G. GRCh37 (hg19) VCF-style: chr3-52469921-A-G.
Other names: c.2047T>C (NM_020163.2); short protein forms F683L.
Identifiers: ClinVar variation 4162148 (VCV004162148.2).